The following is an entry in ClinVar:

ClinVar aggregate classification (germline): Uncertain significance. Review status: criteria provided, multiple submitters, no conflicts (2 of 4 stars). 2 submissions from 2 submitters: Uncertain significance (2). Last evaluated 2021-12-30.

Conditions:
BLOOD GROUP--SWANN SYSTEM (SW). Also called: SWANN BLOOD GROUP. Identifiers: MedGen C1832169, OMIM 601550.
BLOOD GROUP, WALDNER (WD). Also called: WALDNER BLOOD GROUP ANTIGEN. Identifiers: MedGen C1862191, OMIM 112010.
BLOOD GROUP--FROESE (FR). Also called: FROESE BLOOD GROUP ANTIGEN. Identifiers: MedGen C1832168, OMIM 601551.
BLOOD GROUP--WRIGHT ANTIGEN (WR). Identifiers: MedGen C1862190, OMIM 112050.
Hereditary spherocytosis type 4. Also called: SLC4A1-Related Spherocytosis. Identifiers: Orphanet 822, MedGen C2675212, MONDO:0012981, OMIM 612653.
BLOOD GROUP--DIEGO SYSTEM (DI). Identifiers: MedGen C1292286, OMIM 110500.
Cryohydrocytosis. Also called: STOMATOCYTOSIS, COLD-SENSITIVE; CRYOHYDROCYTOSIS DUE TO BAND 3 HEMEL; CRYOHYDROCYTOSIS DUE TO BAND 3 HURSTPIERPOINT; CRYOHYDROCYTOSIS DUE TO BAND 3 BLACKBURN; Hereditary cryohydrocytosis with normal stomatin. Identifiers: Orphanet 398088, MedGen C1861453, MONDO:0008494, OMIM 185020.
Autosomal dominant distal renal tubular acidosis (DRTA1). Also called: RENAL TUBULAR ACIDOSIS, DISTAL, 1; RTA, CLASSIC TYPE; RTA, DISTAL TYPE, AUTOSOMAL DOMINANT; RTA, GRADIENT TYPE; Renal Tubular Acidosis, Type I. Identifiers: Orphanet 93608, MedGen CN280572, MONDO:0008368, OMIM 179800.
Renal tubular acidosis, distal, 4, with hemolytic anemia. Also called: Renal Tubular Acidosis, Distal, with Hemolytic Anemia. Identifiers: Orphanet 93610, MedGen C5436235, MONDO:0012700, OMIM 611590.
Southeast Asian ovalocytosis. Also called: HE, STOMATOCYTIC; Elliptocytosis 4; Stomatocytic elliptocytosis, hereditary; Ovalocytosis, Malaysian-Melanesian-Filipino type. Identifiers: Orphanet 98868, MedGen C1862322, MONDO:0008165, OMIM 166900.
Malaria, susceptibility to. Identifiers: Orphanet 673, MedGen C1970028, MONDO:0021024, OMIM 611162.

gnomAD v4.1: 1 of 1,614,072 alleles (0.000062%); highest among the groups gnomAD compares: Admixed American, 0.0017%; no homozygotes.

Submissions (2):

Fulgent Genetics
Classification: Uncertain significance for BLOOD GROUP--DIEGO SYSTEM; BLOOD GROUP, WALDNER; BLOOD GROUP--WRIGHT ANTIGEN; Southeast Asian ovalocytosis; Autosomal dominant distal renal tubular acidosis; Cryohydrocytosis; BLOOD GROUP--SWANN SYSTEM; BLOOD GROUP--FROESE; Malaria, susceptibility to; Renal tubular acidosis, distal, 4, with hemolytic anemia; Hereditary spherocytosis type 4. Last evaluated: 2021-12-30. Review status: criteria provided, single submitter. Criteria: ACMG Guidelines, 2015. Collection method: clinical testing. Allele origin: unknown.

Labcorp Genetics (formerly Invitae), Labcorp
Classification: Uncertain significance. Last evaluated: 2021-08-29. Review status: criteria provided, single submitter. Criteria: Invitae Variant Classification Sherloc (09022015). Collection method: clinical testing. Allele origin: germline.
Comment: This sequence change replaces threonine with serine at codon 444 of the SLC4A1 protein (p.Thr444Ser). The threonine residue is highly conserved and there is a small physicochemical difference between threonine and serine. This variant is not present in population databases (ExAC no frequency). This variant has not been reported in the literature in individuals affected with SLC4A1-related conditions. Algorithms developed to predict the effect of missense changes on protein structure and function are either unavailable or do not agree on the potential impact of this missense change (SIFT: "Tolerated"; PolyPhen-2: "Probably Damaging"; Align-GVGD: "Class C0"). Algorithms developed to predict the effect of sequence changes on RNA splicing suggest that this variant may create or strengthen a splice site. In summary, the available evidence is currently insufficient to determine the role of this variant in disease. Therefore, it has been classified as a Variant of Uncertain Significance.

NM_000342.4(SLC4A1):c.1331C>G (p.Thr444Ser)

Gene: SLC4A1 (solute carrier family 4 member 1 (Diego blood group); minus strand). Cytogenetic location: 17q21.31.
Variant type: single nucleotide variant.
Coding change: c.1331C>G on transcript NM_000342.4 (MANE Select); coding-DNA position 1331, C replaced by G.
Protein change: p.Thr444Ser; replaces threonine 444 with serine.
Molecular consequence: missense variant.
Genome position (GRCh38, 1-based): chr17:44,257,759, G>C on the plus strand (C>G on the coding strand, the complement: SLC4A1 is on the minus strand). VCF-style: chr17-44257759-G-C. GRCh37 (hg19) VCF-style: chr17-42335127-G-C.
Other names: short protein forms T444S.
Identifiers: ClinVar variation 1361360 (VCV001361360.7), dbSNP rs754973425, ClinGen allele CA399787592.